The following is an entry in ClinVar:

NC_000018.9:g.(?_53070665)_(53070769_?)del

Gene: TCF4 (transcription factor 4; minus strand). Cytogenetic location: 18q21.2.
Variant type: Deletion.
Identifiers: ClinVar variation 1459978 (VCV001459978.4).

ClinVar aggregate classification (germline): Pathogenic (1 of 4 stars; one submission).

Conditions:
Pitt-Hopkins syndrome (PTHS). Also called: ENCEPHALOPATHY, SEVERE EPILEPTIC, WITH AUTONOMIC DYSFUNCTION; MENTAL RETARDATION, SYNDROMAL, WITH INTERMITTENT HYPERVENTILATION. Identifiers: Orphanet 2896, MedGen C1970431, MONDO:0012589, OMIM 610954.

Submission:

Labcorp Genetics (formerly Invitae), Labcorp
Classification: Pathogenic for Pitt-Hopkins syndrome. Last evaluated: 2023-11-13. Review status: criteria provided, single submitter. Criteria: Invitae Variant Classification Sherloc (09022015). Collection method: clinical testing. Allele origin: germline.
Comment: This variant is a gross deletion of the genomic region encompassing exon(s) 6 of the TCF4 gene. This deletion is out-of-frame, and is expected to create a premature termination codon and result in an absent or disrupted protein product. Loss-of-function variants in TCF4 are known to be pathogenic (PMID: 18728071, 22045651). This variant has not been reported in the literature in individuals affected with TCF4-related conditions. For these reasons, this variant has been classified as Pathogenic.

Literature cited by the submitters: PubMed 18728071; PubMed 22045651.